The following is an entry in ClinVar:

NM_033118.4(MYLK2):c.1082+10C>T

Gene: MYLK2 (myosin light chain kinase 2; plus strand). Cytogenetic location: 20q11.21.
Variant type: single nucleotide variant.
Coding change: c.1082+10C>T on transcript NM_033118.4 (MANE Select); 10 bases into the intron after coding-DNA position 1082, C replaced by T.
Molecular consequence: intron variant.
Genome position (GRCh38, 1-based): chr20:31,826,724, C>T. VCF-style: chr20-31826724-C-T. GRCh37 (hg19) VCF-style: chr20-30414527-C-T.
Identifiers: ClinVar variation 510689 (VCV000510689.10), dbSNP rs770363702, ClinGen allele CA9803098.

ClinVar aggregate classification (germline): Likely benign. Review status: criteria provided, multiple submitters, no conflicts (2 of 4 stars). 2 submissions from 2 submitters: Likely benign (2). Last evaluated 2025-08-03.

Conditions:
Hypertrophic cardiomyopathy 1 (CMH1). Also called: MYH7-Related Familial Hypertrophic Cardiomyopathy; Familial hypertrophic cardiomyopathy 1. Identifiers: MedGen C3495498, MONDO:0008647, OMIM 192600.

Allele frequency attached by ClinVar (database versions not stated): gnomAD 0.00002 and 0.00003; gnomAD exomes 0.00006 and 0.00011; TOPMed 0.00006; ExAC 0.00007.
gnomAD v4.1: 164 of 1,613,476 alleles (0.01%); highest among the groups gnomAD compares: East Asian, 0.036%; no homozygotes.

Submissions (2):

Labcorp Genetics (formerly Invitae), Labcorp
Classification: Likely benign for Hypertrophic cardiomyopathy 1. Last evaluated: 2025-08-03. Review status: criteria provided, single submitter. Criteria: Invitae Variant Classification Sherloc (09022015). Collection method: clinical testing. Allele origin: germline.

GeneDx
Classification: Likely benign. Last evaluated: 2017-07-11. Review status: criteria provided, single submitter. Criteria: GeneDx Variant Classification (06012015). Collection method: clinical testing. Allele origin: germline. Affected: yes.
Comment: This variant is considered likely benign or benign based on one or more of the following criteria: it is a conservative change, it occurs at a poorly conserved position in the protein, it is predicted to be benign by multiple in silico algorithms, and/or has population frequency not consistent with disease.